The following is an entry in ClinVar:

ClinVar aggregate classification (germline): Uncertain significance (1 of 4 stars; one submission).

gnomAD v4.1: 3 of 1,614,042 alleles (0.00019%); highest among the groups gnomAD compares: Non-Finnish European, 0.00017%; no homozygotes.

Submission:

Labcorp Genetics (formerly Invitae), Labcorp
Classification: Uncertain significance. Last evaluated: 2021-08-20. Review status: criteria provided, single submitter. Criteria: Invitae Variant Classification Sherloc (09022015). Collection method: clinical testing. Allele origin: germline.
Comment: This sequence change replaces proline with arginine at codon 308 of the COL27A1 protein (p.Pro308Arg). The proline residue is weakly conserved and there is a moderate physicochemical difference between proline and arginine. This variant is not present in population databases (ExAC no frequency). This variant has not been reported in the literature in individuals affected with COL27A1-related conditions. Advanced modeling of protein sequence and biophysical properties (such as structural, functional, and spatial information, amino acid conservation, physicochemical variation, residue mobility, and thermodynamic stability) performed at Invitae indicates that this missense variant is not expected to disrupt COL27A1 protein function. In summary, the available evidence is currently insufficient to determine the role of this variant in disease. Therefore, it has been classified as a Variant of Uncertain Significance.

NM_032888.4(COL27A1):c.923C>G (p.Pro308Arg)

Gene: COL27A1 (collagen type XXVII alpha 1 chain; plus strand). Cytogenetic location: 9q32.
Variant type: single nucleotide variant.
Coding change: c.923C>G on transcript NM_032888.4 (MANE Select); coding-DNA position 923, C replaced by G.
Protein change: p.Pro308Arg; replaces proline 308 with arginine.
Molecular consequence: missense variant.
Genome position (GRCh38, 1-based): chr9:114,168,478, C>G. VCF-style: chr9-114168478-C-G. GRCh37 (hg19) VCF-style: chr9-116930758-C-G.
Other names: short protein forms P308R.
Identifiers: ClinVar variation 1514429 (VCV001514429.5), dbSNP rs767257782, ClinGen allele CA374592683.